The following is an entry in ClinVar:

ClinVar aggregate classification (germline): Uncertain significance (1 of 4 stars; one submission).

Conditions:
Cryopyrin associated periodic syndrome (CAPS). Identifiers: Orphanet 208650, MedGen C2316212, MONDO:0016168.

Submission:

Labcorp Genetics (formerly Invitae), Labcorp
Classification: Uncertain significance for Cryopyrin associated periodic syndrome. Last evaluated: 2020-11-16. Review status: criteria provided, single submitter. Criteria: Invitae Variant Classification Sherloc (09022015). Collection method: clinical testing. Allele origin: germline.
Comment: This sequence change falls in intron 3 of the NLRP3 gene. It does not directly change the encoded amino acid sequence of the NLRP3 protein. It affects a nucleotide within the consensus splice site of the intron. The frequency data for this variant in the population databases is not available, as this variant may be reported as separate entries in the ExAC database. This variant has not been reported in the literature in individuals with NLRP3-related conditions. Nucleotide substitutions within the consensus splice site are a relatively common cause of aberrant splicing (PMID: 17576681, 9536098). Algorithms developed to predict the effect of sequence changes on RNA splicing suggest that this variant may create or strengthen a splice site, but this prediction has not been confirmed by published transcriptional studies. In summary, the available evidence is currently insufficient to determine the role of this variant in disease. Therefore, it has been classified as a Variant of Uncertain Significance.

Literature cited by the submitters: PubMed 17576681; PubMed 9536098.

NM_001243133.2(NLRP3):c.2150+6_2150+7delinsTT

Gene: NLRP3 (NLR family pyrin domain containing 3; plus strand). Cytogenetic location: 1q44.
Variant type: Indel.
Coding change: c.2150+6_2150+7delinsTT on transcript NM_001243133.2 (MANE Select); bases 6 to 7 of the intron after coding-DNA position 2150, GA replaced by TT.
Molecular consequence: intron variant.
Genome position (GRCh38, 1-based): chr1:247,425,605-247,425,606, GA replaced by TT. VCF-style: chr1-247425605-GA-TT. GRCh37 (hg19) VCF-style: chr1-247588907-GA-TT.
Other names: c.2156+6_2156+7delinsTT (NM_004895.5); c.2150+6_2150+7delinsTT (NM_001127461.3, NM_001127462.3, NM_183395.3 and 1 more transcripts).
Identifiers: ClinVar variation 1475313 (VCV001475313.6), dbSNP rs2103114278, ClinGen allele CA2573132113.